The following is an entry in ClinVar:

NM_000138.5(FBN1):c.3404del (p.Ser1135fs)

Gene: FBN1 (fibrillin 1; minus strand). Cytogenetic location: 15q21.1.
Variant type: Deletion.
Coding change: c.3404del on transcript NM_000138.5 (MANE Select); coding-DNA position 3404, one base deleted (G; older notation c.3404delG).
Protein change: p.Ser1135fs; shifts the reading frame from serine 1135.
Molecular consequence: frameshift variant.
Genome position (GRCh38, 1-based): chr15:48,487,371, C deleted on the plus strand (G on the coding strand, the reverse complement: FBN1 is on the minus strand). VCF-style (leftmost placement, unchanged base first): chr15-48487370-AC-A. GRCh37 (hg19) VCF-style: chr15-48779567-AC-A.
Other names: c.3404del, p.Ser1135fs (NM_001406716.1); short protein forms S1135fs.
Identifiers: ClinVar variation 4785156 (VCV004785156.1).
Genomic context (GRCh38, chr15:48,487,370, plus strand): 5'-ACCGATACACGCGGAGATGTTGGGGGACAGCTGATGGCCAGGCGGGCATTCACAGCGGTA[AC>A]TTCCCTCTGTGTTATGGCAAACACCACCTCGGCATAGGAGAGGATCTCTCTGACACTCAT-3'

ClinVar aggregate classification (germline): Pathogenic (1 of 4 stars; one submission).

Conditions:
Marfan syndrome (MFS). Also called: FBN1-Related Marfan Syndrome; MARFAN SYNDROME, TYPE I; Marfan syndrome type 1; Marfan's syndrome; Marfan syndrome, classic. Identifiers: Orphanet 284963, Orphanet 558, MedGen C0024796, MONDO:0007947, OMIM 154700.
Familial thoracic aortic aneurysm and aortic dissection (TAAD). Also called: Thoracic aortic aneurysms and dissections. Identifiers: Orphanet 91387, MedGen C4707243, MONDO:0019625.

Submission:

Labcorp Genetics (formerly Invitae), Labcorp
Classification: Pathogenic for Marfan syndrome; Familial thoracic aortic aneurysm and aortic dissection. Last evaluated: 2025-06-01. Review status: criteria provided, single submitter. Criteria: Invitae Variant Classification Sherloc (09022015). Collection method: clinical testing. Allele origin: germline.
Comment: This sequence change creates a premature translational stop signal (p.Ser1135Ilefs*27) in the FBN1 gene. It is expected to result in an absent or disrupted protein product. Loss-of-function variants in FBN1 are known to be pathogenic (PMID: 17657824, 19293843). This variant is not present in population databases (gnomAD no frequency). This variant has not been reported in the literature in individuals affected with FBN1-related conditions. For these reasons, this variant has been classified as Pathogenic.

Literature cited by the submitters: PubMed 17657824; PubMed 19293843.